The following is an entry in ClinVar:

NM_000081.4(LYST):c.4228T>A (p.Ser1410Thr)

Gene: LYST (lysosomal trafficking regulator; minus strand). Cytogenetic location: 1q42.3.
Variant type: single nucleotide variant.
Coding change: c.4228T>A on transcript NM_000081.4 (MANE Select); coding-DNA position 4228, T replaced by A.
Protein change: p.Ser1410Thr; replaces serine 1410 with threonine.
Molecular consequence: missense variant.
Genome position (GRCh38, 1-based): chr1:235,792,014, A>T on the plus strand (T>A on the coding strand, the complement: LYST is on the minus strand). VCF-style: chr1-235792014-A-T. GRCh37 (hg19) VCF-style: chr1-235955314-A-T.
Other names: c.4228T>A, p.Ser1410Thr (NM_001301365.1); short protein forms S1410T.
Identifiers: ClinVar variation 2170480 (VCV002170480.4), dbSNP rs1671053808, ClinGen allele CA344960261.

ClinVar aggregate classification (germline): Uncertain significance (1 of 4 stars; one submission).

Conditions:
Chédiak-Higashi syndrome (CHS). Also called: Chediak-Higashi Syndrome. Identifiers: Orphanet 167, MedGen C0007965, MONDO:0008963, OMIM 214500.

Allele frequency attached by ClinVar (database versions not stated): gnomAD exomes below 0.00001.
gnomAD v4.1: 1 of 1,614,142 alleles (0.000062%); highest among the groups gnomAD compares: Non-Finnish European, 0.000085%; no homozygotes.

Submission:

Labcorp Genetics (formerly Invitae), Labcorp
Classification: Uncertain significance for Chédiak-Higashi syndrome. Last evaluated: 2022-01-23. Review status: criteria provided, single submitter. Criteria: Invitae Variant Classification Sherloc (09022015). Collection method: clinical testing. Allele origin: germline.
Comment: Algorithms developed to predict the effect of missense changes on protein structure and function (SIFT, PolyPhen-2, Align-GVGD) all suggest that this variant is likely to be tolerated. In summary, the available evidence is currently insufficient to determine the role of this variant in disease. Therefore, it has been classified as a Variant of Uncertain Significance. This variant has not been reported in the literature in individuals affected with LYST-related conditions. This variant is not present in population databases (gnomAD no frequency). This sequence change replaces serine, which is neutral and polar, with threonine, which is neutral and polar, at codon 1410 of the LYST protein (p.Ser1410Thr).